The following is an entry in ClinVar:

ClinVar aggregate classification (germline): Pathogenic. Review status: criteria provided, multiple submitters, no conflicts (2 of 4 stars). 2 submissions from 2 submitters: Pathogenic (2). Last evaluated 2020-05-06.

Conditions:
Cystic fibrosis (CF). Also called: MUCOVISCIDOSIS. Identifiers: Orphanet 586, MedGen C0010674, MONDO:0009061, OMIM 219700. Disease mechanism: loss of function.
CFTR-related disorder (CFTR-RD). Also called: CFTR-related disorders; CFTR-related condition. Identifiers: MedGen C5924204, MONDO:7770004.

Submissions (2):

Johns Hopkins Genomics, Johns Hopkins University
Classification: Pathogenic for Cystic fibrosis. Last evaluated: 2020-05-06. Review status: criteria provided, single submitter. Criteria: ACMG Guidelines, 2015. Collection method: clinical testing. Allele origin: germline.
Comment: CFTR c.586dupG is absent from a large population dataset and has not been reported in the literature, to our knowledge. A single submitter in ClinVar classifies this variant as pathogenic. This frameshift variant leads to a premature stop codon in exon 7 of 27 likely leading to nonsense mediated decay and lack of protein production. We consider c.586dupG to be pathogenic.

CFTR-France
Classification: Pathogenic for cystic fibrosis; CFTR-related disorders. Last evaluated: 2018-01-29. Review status: criteria provided, single submitter. Criteria: Claustres M et al. (Hum Mutat 2017). Collection method: curation. Allele origin: germline. Affected: yes.
Comment: the variant causes a phenotype but regarding our data, we can't formally attribute it to CF, CFTR-RD or both

NM_000492.4(CFTR):c.586dup (p.Ala196fs)

Gene: CFTR (CF transmembrane conductance regulator; plus strand). Cytogenetic location: 7q31.2.
Variant type: Duplication.
Coding change: c.586dup on transcript NM_000492.4 (MANE Select); coding-DNA position 586, one base duplicated (G; older notation c.586dupG).
Protein change: p.Ala196fs; shifts the reading frame from alanine 196.
Molecular consequence: frameshift variant.
Genome position (GRCh38, 1-based): chr7:117,535,254, G duplicated. VCF-style (leftmost placement, unchanged base first): chr7-117535253-T-TG. GRCh37 (hg19) VCF-style: chr7-117175307-T-TG.
Other names: c.586dupG (NM_000492.3); short protein forms A196fs.
Identifiers: ClinVar variation 818153 (VCV000818153.2), dbSNP rs1584786892, ClinGen allele CA915945461.